The following is an entry in ClinVar:

NM_000540.3(RYR1):c.637G>C (p.Val213Leu)

Gene: RYR1 (ryanodine receptor 1; plus strand). Cytogenetic location: 19q13.2.
Variant type: single nucleotide variant.
Coding change: c.637G>C on transcript NM_000540.3 (MANE Select); coding-DNA position 637, G replaced by C.
Protein change: p.Val213Leu; replaces valine 213 with leucine.
Molecular consequence: missense variant.
Genome position (GRCh38, 1-based): chr19:38,446,477, G>C. VCF-style: chr19-38446477-G-C. GRCh37 (hg19) VCF-style: chr19-38937117-G-C.
Other names: c.637G>C, p.Val213Leu (NM_001042723.2); short protein forms V213L.
Identifiers: ClinVar variation 3075272 (VCV003075272.1), dbSNP rs745608515, ClinGen allele CA405679239.
Genomic context (GRCh38, chr19:38,446,477, plus strand): 5'-TGGTCTTCCTGGGGCTCCAGCCTCCCATTGACCAACTTCCCTTGCTCCTCTCCAGGCTTC[G>C]TGACGGGAGGTCACGTCCTCCGCCTCTTTCATGGACATATGGATGAGTGTCTGACCATTT-3'
Protein context (NP_000531.2, residues 203-223): PICSRCEEGF[Val213Leu]TGGHVLRLFH

ClinVar aggregate classification (germline): Uncertain significance (1 of 4 stars; one submission).

Conditions:
Malignant hyperthermia, susceptibility to, 1 (MHS1). Also called: Anesthesia related hyperthermia; Malignant hyperpyrexia; Fulminating hyperpyrexia; Pharmacogenic myopathy; RYR1-Related Malignant Hyperthermia Susceptibility; Malignant hyperthermia suceptibility 1. Identifiers: Orphanet 423, MedGen C2930980, MONDO:0007783, OMIM 145600.

Submission:

All of Us Research Program, National Institutes of Health
Classification: Uncertain significance for Malignant hyperthermia, susceptibility to, 1. Last evaluated: 2024-01-03. Review status: criteria provided, single submitter. Criteria: ACMG Guidelines, 2015. Collection method: clinical testing. Allele origin: germline. Inheritance: Autosomal dominant inheritance. Observed: 1 variant allele, 1 heterozygote.
Comment: This missense variant replaces valine with leucine at codon 213 of the RYR1 protein. Computational prediction suggests that this variant may not impact protein structure and function (internally defined REVEL score threshold <= 0.5, PMID: 27666373). To our knowledge, functional studies have not been reported for this variant. This variant has not been reported in individuals affected with RYR1-related disorders in the literature. This variant has not been identified in the general population by the Genome Aggregation Database (gnomAD). The available evidence is insufficient to determine the role of this variant in disease conclusively. Therefore, this variant is classified as a Variant of Uncertain Significance.

This study involves interpretation of variants in research participants for the purpose of population health screening. Participant phenotype was not available at the time of variant classification. Additional details can be found in publication PMID: 35346344, PMCID: PMC8962531